The following is an entry in ClinVar:

ClinVar aggregate classification (germline): Conflicting classifications of pathogenicity. Review status: criteria provided, conflicting classifications (1 of 4 stars). 2 submissions from 2 submitters: Uncertain significance (1); Likely benign (1). Last evaluated 2025-11-19.

Conditions:
Inborn genetic diseases. Identifiers: MedGen C0950123, MeSH D030342.

Allele frequency attached by ClinVar (database versions not stated): gnomAD exomes 0.00002; ExAC 0.00005; gnomAD 0.00013; 1000 Genomes Project 0.00020; TOPMed 0.00021; ESP Exome Variant Server 0.00023; 1000 Genomes Project 30x 0.00031.
gnomAD v4.1: 52 of 1,614,010 alleles (0.0032%); highest among the groups gnomAD compares: African/African-American, 0.044%; no homozygotes.

Submissions (2):

Labcorp Genetics (formerly Invitae), Labcorp
Classification: Uncertain significance. Last evaluated: 2025-11-19. Review status: criteria provided, single submitter. Criteria: Invitae Variant Classification Sherloc (09022015). Collection method: clinical testing. Allele origin: germline.
Comment: This sequence change replaces proline, which is neutral and non-polar, with leucine, which is neutral and non-polar, at codon 666 of the EPAS1 protein (p.Pro666Leu). This variant is present in population databases (rs149676792, gnomAD 0.03%). This variant has not been reported in the literature in individuals affected with EPAS1-related conditions. ClinVar contains an entry for this variant (Variation ID: 3089354). An algorithm developed to predict the effect of missense changes on protein structure and function outputs the following: PolyPhen-2: "Benign". The leucine amino acid residue is found in multiple mammalian species, which suggests that this missense change does not adversely affect protein function. In summary, the available evidence is currently insufficient to determine the role of this variant in disease. Therefore, it has been classified as a Variant of Uncertain Significance.

Ambry Genetics
Classification: Likely benign for Inborn genetic diseases. Last evaluated: 2023-12-09. Review status: criteria provided, single submitter. Criteria: Ambry Variant Classification Scheme 2023. Collection method: clinical testing. Allele origin: germline.

NM_001430.5(EPAS1):c.1997C>T (p.Pro666Leu)

Gene: EPAS1 (endothelial PAS domain protein 1; plus strand). Cytogenetic location: 2p21.
Variant type: single nucleotide variant.
Coding change: c.1997C>T on transcript NM_001430.5 (MANE Select); coding-DNA position 1997, C replaced by T.
Protein change: p.Pro666Leu; replaces proline 666 with leucine.
Molecular consequence: missense variant.
Genome position (GRCh38, 1-based): chr2:46,380,669, C>T. VCF-style: chr2-46380669-C-T. GRCh37 (hg19) VCF-style: chr2-46607808-C-T.
Other names: short protein forms P666L.
Identifiers: ClinVar variation 3089354 (VCV003089354.2), dbSNP rs149676792, ClinGen allele CA1645167.